The following is an entry in ClinVar:

NM_000492.4(CFTR):c.3963+1G>A

Gene: CFTR (CF transmembrane conductance regulator; plus strand). Cytogenetic location: 7q31.2.
Variant type: single nucleotide variant.
Coding change: c.3963+1G>A on transcript NM_000492.4 (MANE Select); the canonical splice donor site of the intron after coding-DNA position 3963, G replaced by A.
Molecular consequence: splice donor variant.
Genome position (GRCh38, 1-based): chr7:117,652,932, G>A. VCF-style: chr7-117652932-G-A. GRCh37 (hg19) VCF-style: chr7-117292986-G-A.
Identifiers: ClinVar variation 161996 (VCV000161996.4), dbSNP rs672601314, ClinGen allele CA273029.

ClinVar aggregate classification (germline): Likely pathogenic. Review status: criteria provided, multiple submitters, no conflicts (2 of 4 stars). 3 submissions from 3 submitters: Likely pathogenic (2). 1 of the submissions does not count toward it. Last evaluated 2025-02-11.

Conditions:
CFTR-related disorder (CFTR-RD). Also called: CFTR-related disorders; CFTR-related condition. Identifiers: MedGen C5924204, MONDO:7770004.
Cystic fibrosis (CF). Also called: MUCOVISCIDOSIS. Identifiers: Orphanet 586, MedGen C0010674, MONDO:0009061, OMIM 219700. Disease mechanism: loss of function.
Congenital bilateral aplasia of vas deferens from CFTR mutation (CBAVD). Identifiers: Orphanet 48, MedGen C0403814, MONDO:0010178, OMIM 277180. Disease mechanism: loss of function.
Bronchiectasis with or without elevated sweat chloride 1 (BESC1). Also called: Cystic Fibrosis-Like Syndrome. Identifiers: Orphanet 60033, MedGen C2749757, MONDO:0008887, OMIM 211400.
Hereditary pancreatitis (PCTT). Also called: PRSS1-Related Hereditary Pancreatitis; Hereditary chronic pancreatitis. Identifiers: Orphanet 676, MedGen C0238339, MONDO:0008185, OMIM 167800.

Submissions (3):

Natera, Inc.
Classification: Likely pathogenic for CFTR-related disorders. Last evaluated: 2025-02-11. Review status: criteria provided, single submitter. Criteria: Natera Variant Classification Schema (03/2026). Collection method: clinical testing. Allele origin: germline.
Comment: The c.3963+1G>A variant in CFTR is a canonical splice donor site variant predicted to affect pre-mRNA splicing, which may result in an abnormal transcript and altered protein product. This variant is expected to result in nonsense mediated decay, truncation, or a dysfunctional protein product. This variant is rare in the general population with a frequency below the threshold expected for the associated phenotype(s). This variant has been observed in one or more individuals affected with the associated recessive disease, as either homozygous or compound heterozygous with a second variant (PMID: 27022295). Given the available evidence, this variant is classified as Likely Pathogenic.

Fulgent Genetics
Classification: Likely pathogenic for Hereditary pancreatitis; Bronchiectasis with or without elevated sweat chloride 1; Cystic fibrosis; Congenital bilateral aplasia of vas deferens from CFTR mutation. Last evaluated: 2024-03-18. Review status: criteria provided, single submitter. Criteria: ACMG Guidelines, 2015. Collection method: clinical testing. Allele origin: germline.

Unidad de Estudios Geneticos y Forenses, Instituto Venezolano de Investigaciones Cientificas
Classification: Pathogenic for Cystic fibrosis. Last evaluated: 2013-10-01. Review status: no assertion criteria provided. Collection method: research. Allele origin: unknown. Affected: yes. Observed: 1 variant allele. Study: CFTR variants in Venezuelan CF patients. Not counted in ClinVar's aggregate classification.
Comment: Identification of cystic fibrosis-causing mutations in the CFTR gene for use in screening of a Venezuelan population

Literature cited by the submitters: PubMed 27022295 (cited by Natera, Inc.).